The following is an entry in ClinVar:

ClinVar aggregate classification (germline): Uncertain significance (1 of 4 stars; one submission).

Conditions:
Inborn genetic diseases. Identifiers: MedGen C0950123, MeSH D030342.

Submission:

Ambry Genetics
Classification: Uncertain significance for Inborn genetic diseases. Last evaluated: 2025-02-19. Review status: criteria provided, single submitter. Criteria: Ambry Variant Classification Scheme 2023. Collection method: clinical testing. Allele origin: germline.
Comment: The p.K1532N variant (also known as c.4596G>C), located in coding exon 13 of the ASXL1 gene, results from a G to C substitution at nucleotide position 4596. The lysine at codon 1532 is replaced by asparagine, an amino acid with similar properties. This amino acid position is conserved. In addition, this alteration is predicted to be tolerated by in silico analysis. Based on the available evidence, the clinical significance of this variant remains unclear.

NM_015338.6(ASXL1):c.4596G>C (p.Lys1532Asn)

Gene: ASXL1 (ASXL transcriptional regulator 1; plus strand). Cytogenetic location: 20q11.21.
Variant type: single nucleotide variant.
Coding change: c.4596G>C on transcript NM_015338.6 (MANE Select); coding-DNA position 4596, G replaced by C.
Protein change: p.Lys1532Asn; replaces lysine 1532 with asparagine.
Molecular consequence: missense variant.
Genome position (GRCh38, 1-based): chr20:32,437,308, G>C. VCF-style: chr20-32437308-G-C. GRCh37 (hg19) VCF-style: chr20-31025111-G-C.
Other names: c.4413G>C, p.Lys1471Asn (NM_001363734.1); short protein forms K1471N, K1532N.
Identifiers: ClinVar variation 3793618 (VCV003793618.1).
Genomic context (GRCh38, chr20:32,437,308, plus strand): 5'-CATGATCATGTGCCAAGGCTGCGGTGCGTTCTGTCACGATGACTGTATTGGACCCTCAAA[G>C]CTCTGTGTATTGTGCCTTGTGGTGAGATAATAAATTATGGCCATGGGAAACATTGTATAT-3'
Protein context (NP_056153.2, residues 1522-1541): FCHDDCIGPS[Lys1532Asn]LCVLCLVVR